The following is an entry in ClinVar:

ClinVar aggregate classification (germline): Uncertain significance (1 of 4 stars; one submission).

Conditions:
Baller-Gerold syndrome (BGS). Also called: CRANIOSYNOSTOSIS WITH RADIAL DEFECTS. Identifiers: Orphanet 1225, MedGen C0265308, MONDO:0009039, OMIM 218600.

Submission:

Labcorp Genetics (formerly Invitae), Labcorp
Classification: Uncertain significance for Baller-Gerold syndrome. Last evaluated: 2018-09-18. Review status: criteria provided, single submitter. Criteria: Invitae Variant Classification Sherloc (09022015). Collection method: clinical testing. Allele origin: germline.
Comment: In summary, the available evidence is currently insufficient to determine the role of this variant in disease. Therefore, it has been classified as a Variant of Uncertain Significance. Algorithms developed to predict the effect of missense changes on protein structure and function are either unavailable or do not agree on the potential impact of this missense change (SIFT: "Deleterious"; PolyPhen-2: "Probably damaging"; Align-GVGD: "Class C0"). This variant has not been reported in the literature in individuals with RECQL4-related disease. This variant is not present in population databases (ExAC no frequency). This sequence change replaces arginine with leucine at codon 1181 of the RECQL4 protein (p.Arg1181Leu). The arginine residue is highly conserved and there is a moderate physicochemical difference between arginine and leucine.

NM_004260.4(RECQL4):c.3542G>T (p.Arg1181Leu)

Gene: RECQL4 (RecQ like helicase 4; minus strand). Cytogenetic location: 8q24.3.
Variant type: single nucleotide variant.
Coding change: c.3542G>T on transcript NM_004260.4 (MANE Select); coding-DNA position 3542, G replaced by T.
Protein change: p.Arg1181Leu; replaces arginine 1181 with leucine.
Molecular consequence: missense variant.
Genome position (GRCh38, 1-based): chr8:144,511,516, C>A on the plus strand (G>T on the coding strand, the complement: RECQL4 is on the minus strand). VCF-style: chr8-144511516-C-A. GRCh37 (hg19) VCF-style: chr8-145736899-C-A.
Other names: short protein forms R1181L.
Identifiers: ClinVar variation 653268 (VCV000653268.4), dbSNP rs370069034, ClinGen allele CA372665969.
Genomic context (GRCh38, chr8:144,511,516, plus strand): 5'-TCCGTGGCCAGGCCCACCAGGGCATGGAAGCTCAGGTGCAGGTATTTTCTCCAGAAGCGT[C>A]GGTCCTGCCCGTACACCTGGGCCGGGTAGCAGGGGCTTCCTACGGTGGAGCCAAGACACA-3'
Protein context (NP_004251.4, residues 1171-1191): CYPAQVYGQD[Arg1181Leu]RFWRKYLHLS